The following is an entry in ClinVar:

ClinVar aggregate classification (germline): Uncertain significance. Review status: criteria provided, multiple submitters, no conflicts (2 of 4 stars). 3 submissions from 3 submitters: Uncertain significance (3). Last evaluated 2024-02-23.

Conditions:
Hereditary cancer-predisposing syndrome. Also called: Neoplastic Syndromes, Hereditary; Hereditary neoplastic syndrome; Tumor predisposition; Hereditary Cancer Syndrome. Identifiers: Orphanet 140162, MedGen C0027672, MeSH D009386, MONDO:0015356.
Cardiovascular phenotype. Identifiers: MedGen CN230736.
LZTR1-related schwannomatosis. Also called: Schwannomatosis 2; Schwannomatosis-2, susceptibility to. Identifiers: Orphanet 93921, MedGen C3810283, MONDO:0014299, OMIM 615670.

Submissions (3):

Labcorp Genetics (formerly Invitae), Labcorp
Classification: Uncertain significance. Last evaluated: 2024-02-23. Review status: criteria provided, single submitter. Criteria: Invitae Variant Classification Sherloc (09022015). Collection method: clinical testing. Allele origin: germline.
Comment: This sequence change replaces glycine, which is neutral and non-polar, with alanine, which is neutral and non-polar, at codon 135 of the LZTR1 protein (p.Gly135Ala). This variant is not present in population databases (gnomAD no frequency). This variant has not been reported in the literature in individuals affected with LZTR1-related conditions. ClinVar contains an entry for this variant (Variation ID: 2496782). Advanced modeling of protein sequence and biophysical properties (such as structural, functional, and spatial information, amino acid conservation, physicochemical variation, residue mobility, and thermodynamic stability) performed at Invitae indicates that this missense variant is not expected to disrupt LZTR1 protein function with a negative predictive value of 80%. In summary, the available evidence is currently insufficient to determine the role of this variant in disease. Therefore, it has been classified as a Variant of Uncertain Significance.

Baylor Genetics
Classification: Uncertain significance for LZTR1-related schwannomatosis. Last evaluated: 2023-07-06. Review status: criteria provided, single submitter. Criteria: ACMG Guidelines, 2015. Collection method: clinical testing. Allele origin: unknown.

Ambry Genetics
Classification: Uncertain significance for Cardiovascular phenotype; Hereditary cancer-predisposing syndrome. Last evaluated: 2023-03-03. Review status: criteria provided, single submitter. Criteria: Ambry Variant Classification Scheme 2023. Collection method: clinical testing. Allele origin: germline.
Comment: The p.G135A variant (also known as c.404G>C), located in coding exon 5 of the LZTR1 gene, results from a G to C substitution at nucleotide position 404. The glycine at codon 135 is replaced by alanine, an amino acid with similar properties. This amino acid position is conserved. In addition, this alteration is predicted to be deleterious by in silico analysis. Since supporting evidence is limited at this time, the clinical significance of this alteration remains unclear.

NM_006767.4(LZTR1):c.404G>C (p.Gly135Ala)

Gene: LZTR1 (leucine zipper like post translational regulator 1; plus strand). Cytogenetic location: 22q11.21.
Variant type: single nucleotide variant.
Coding change: c.404G>C on transcript NM_006767.4 (MANE Select); coding-DNA position 404, G replaced by C.
Protein change: p.Gly135Ala; replaces glycine 135 with alanine.
Molecular consequence: missense variant.
Genome position (GRCh38, 1-based): chr22:20,988,013, G>C. VCF-style: chr22-20988013-G-C. GRCh37 (hg19) VCF-style: chr22-21342302-G-C.
Other names: short protein forms G135A.
Identifiers: ClinVar variation 2496782 (VCV002496782.5), dbSNP rs1425031926, ClinGen allele CA410779587.